The following is an entry in ClinVar:

NM_004268.5(MED17):c.1433T>G (p.Leu478Ter)

Gene: MED17 (mediator complex subunit 17; plus strand). Cytogenetic location: 11q21.
Variant type: single nucleotide variant.
Coding change: c.1433T>G on transcript NM_004268.5 (MANE Select); coding-DNA position 1433, T replaced by G.
Protein change: p.Leu478Ter; replaces leucine 478 with a stop codon.
Molecular consequence: nonsense.
Genome position (GRCh38, 1-based): chr11:93,801,939, T>G. VCF-style: chr11-93801939-T-G. GRCh37 (hg19) VCF-style: chr11-93535105-T-G.
Other names: short protein forms L478*.
Identifiers: ClinVar variation 932111 (VCV000932111.3), dbSNP rs1943967240, ClinGen allele CA382359083.

ClinVar aggregate classification (germline): Likely pathogenic (1 of 4 stars; one submission).

Conditions:
Infantile cerebral and cerebellar atrophy with postnatal progressive microcephaly (MSBA). Identifiers: Orphanet 402364, MedGen C3150921, MONDO:0013351, OMIM 613668.

Submission:

Centre for Mendelian Genomics, University Medical Centre Ljubljana
Classification: Likely pathogenic for Infantile cerebral and cerebellar atrophy with postnatal progressive microcephaly. Last evaluated: 2019-08-14. Review status: criteria provided, single submitter. Criteria: ACMG Guidelines, 2015. Collection method: clinical testing. Allele origin: unknown. Affected: yes.
Comment: This variant was classified as: Likely pathogenic. The following ACMG criteria were applied in classifying this variant: PVS1,PM2.